The following is an entry in ClinVar:

ClinVar aggregate classification (germline): Pathogenic/Likely pathogenic. Review status: criteria provided, multiple submitters, no conflicts (2 of 4 stars). 4 submissions from 4 submitters: Pathogenic (1); Likely pathogenic (3). Last evaluated 2026-09-08.

Conditions:
Fabry disease. Also called: Fabry's disease; ANDERSON-FABRY DISEASE; CERAMIDE TRIHEXOSIDASE DEFICIENCY; Angiokeratoma corporis diffusum; GLA DEFICIENCY; HEREDITARY DYSTOPIC LIPIDOSIS. Identifiers: Orphanet 324, MedGen C0002986, MONDO:0010526, OMIM 301500, HP:0001071. Disease mechanism: loss of function, Fabry disease is due to inactivating mutations in the X-linked GLA gene resulting in deficiency of the enzyme Alpha Galactosidase-A..

Submissions (4):

Genomenon, Inc
Classification: Likely pathogenic for Fabry disease. Last evaluated: 2026-09-08. Review status: criteria provided, single submitter. Criteria: Genomenon Sequence Variant Interpretation Standards - Updated. Collection method: curation. Allele origin: germline. Affected: yes.
Comment: GLA p.Met51Ile (c.153G>A) is a missense variant that changes the amino acid at codon 51 from Methionine to Isoleucine. This variant has been observed in at least one proband with clinical features consistent with Fabry disease (PMID:36879801;27083555;22905681;21517827;16773563). The variant was found to segregate with disease in at least one affected family (PMID:22905681). Functional or patient cell studies have been reported (PMID:32023956;27083555;22905681;25977923;21517827;27657681;23935525;16773563). This variant is located in a mutational hotspot and/or important functional domain. It is absent or not present at a significant frequency in gnomAD. In conclusion, we classify GLA p.Met51Ile (c.153G>A) as a likely pathogenic variant.

Genome-Nilou Lab
Classification: Likely pathogenic for Fabry disease. Last evaluated: 2021-07-15. Review status: criteria provided, single submitter. Criteria: ACMG Guidelines, 2015. Collection method: clinical testing. Allele origin: germline. Affected: no.

Labcorp Genetics (formerly Invitae), Labcorp
Classification: Pathogenic for Fabry disease. Last evaluated: 2020-06-23. Review status: criteria provided, single submitter. Criteria: Invitae Variant Classification Sherloc (09022015). Collection method: clinical testing. Allele origin: germline.
Comment: For these reasons, this variant has been classified as Pathogenic. This variant has been reported to affect GLA protein function (PMID: 16773563, 23935525, 21517827). This variant has been observed in individual(s) with Fabry disease (PMID: 16773563, 25977923). It has also been observed to segregate with disease in related individuals. This variant is not present in population databases (ExAC no frequency). This sequence change replaces methionine with isoleucine at codon 51 of the GLA protein (p.Met51Ile). The methionine residue is moderately conserved and there is a small physicochemical difference between methionine and isoleucine.

Women's Health and Genetics/Laboratory Corporation of America, LabCorp
Classification: Likely pathogenic for Fabry disease. Last evaluated: 2019-03-14. Review status: criteria provided, single submitter. Criteria: LabCorp Variant Classification Summary - May 2015. Collection method: clinical testing. Allele origin: germline.
Comment: Variant summary: GLA c.153G>A (p.Met51Ile) results in a conservative amino acid change in the encoded protein sequence. Three of five in-silico tools predict a damaging effect of the variant on protein function. The variant was absent in 178708 control chromosomes (ACMG PM2). c.153G>A has been reported in the literature in individuals affected with Fabry Disease. Additonally, one neonatal patient has been reported with the variant who had absent a-Gal activity (Spada_2006). Variability in organ involvement and disease severity in patients with this variant has been reported in the literature. These data indicate that the variant is likely to be associated with disease. In vitro studies report the variant to have a-Gal activity ranging from 20-40% in cell lines, however the variant was also shown to negatively impact protein stability (Spada_2006, Tsukimura_2011, Lukas_2013). These in vitro studies have also shown the mutant enzyme activity and stability to be improved by treatment with 1-deoxygalactonojirimycin (DGJ) (ACMG PS3). Additionally, the variant was described as amenable to therapy based on an in vitro assay, according to Galafold (migalastat) insert, which is an FDA approved therapy for Fabry disease. However, the insert also states that the inclusion of a variant in this category does not reflect intepretation of clinical significance in Fabry disease. No clinical diagnostic laboratories have submitted clinical-significance assessments for this variant to ClinVar after 2014. Based on the evidence outlined above, the variant was classified as likely pathogenic.

Literature cited by the submitters: PubMed 36879801 (cited by Genomenon, Inc); PubMed 27083555 (cited by Genomenon, Inc and Women's Health and Genetics/Laboratory Corporation of America, LabCorp); PubMed 22905681 (cited by Genomenon, Inc); PubMed 21517827 (cited by Genomenon, Inc and Labcorp Genetics (formerly Invitae), Labcorp); PubMed 16773563 (cited by 3 submitters); PubMed 32023956 (cited by Genomenon, Inc); PubMed 25977923 (cited by 3 submitters); PubMed 27657681 (cited by Genomenon, Inc); PubMed 23935525 (cited by 3 submitters); PubMed 29487688 (cited by Women's Health and Genetics/Laboratory Corporation of America, LabCorp); PubMed 21353612 (cited by Women's Health and Genetics/Laboratory Corporation of America, LabCorp).

NM_000169.3(GLA):c.153G>A (p.Met51Ile)

Genes: GLA (galactosidase alpha; minus strand), RPL36A-HNRNPH2 (RPL36A-HNRNPH2 readthrough; plus strand). Cytogenetic location: Xq22.1.
Variant type: single nucleotide variant.
Coding change: c.153G>A on transcript NM_000169.3 (MANE Select); coding-DNA position 153, G replaced by A.
Protein change: p.Met51Ile; replaces methionine 51 with isoleucine.
Molecular consequence: missense variant. On other transcripts: non-coding transcript variant (3), intron variant (2).
Genome position (GRCh38, 1-based): chrX:101,407,751, C>T on the plus strand (G>A on the coding strand, the complement: GLA is on the minus strand). VCF-style: chrX-101407751-C-T. GRCh37 (hg19) VCF-style: chrX-100662739-C-T.
Other names: c.153G>A, p.Met51Ile (NM_001406747.1, NM_001406748.1, NM_001406749.1); c.301-4185C>T (NM_001199973.2); c.178-4185C>T (NM_001199974.2); short protein forms M51I.
Identifiers: ClinVar variation 929200 (VCV000929200.14), dbSNP rs869312255, ClinGen allele CA413936918.